The following is an entry in ClinVar:

ClinVar aggregate classification (germline): Uncertain significance (1 of 4 stars; one submission).

gnomAD v4.1: 1 of 1,612,360 alleles (0.000062%); highest among the groups gnomAD compares: Non-Finnish European, 0.000085%; no homozygotes.

Submission:

GeneDx
Classification: Uncertain significance. Last evaluated: 2024-07-09. Review status: criteria provided, single submitter. Criteria: GeneDx Variant Classification Process June 2021. Collection method: clinical testing. Allele origin: germline. Affected: yes.
Comment: Not observed at significant frequency in large population cohorts (gnomAD); In silico analysis supports that this missense variant has a deleterious effect on protein structure/function; Has not been previously published as pathogenic or benign to our knowledge

NM_138927.4(SON):c.1846G>A (p.Gly616Arg)

Gene: SON (SON DNA and RNA binding protein; plus strand). Cytogenetic location: 21q22.11.
Variant type: single nucleotide variant.
Coding change: c.1846G>A on transcript NM_138927.4 (MANE Select); coding-DNA position 1846, G replaced by A.
Protein change: p.Gly616Arg; replaces glycine 616 with arginine.
Molecular consequence: missense variant. On other transcripts: non-coding transcript variant (1), intron variant (1).
Genome position (GRCh38, 1-based): chr21:33,551,077, G>A. VCF-style: chr21-33551077-G-A. GRCh37 (hg19) VCF-style: chr21-34923383-G-A.
Other names: c.1846G>A, p.Gly616Arg (NM_001291411.2, NM_032195.3); c.244+4698G>A (NM_001291412.3); short protein forms G616R.
Identifiers: ClinVar variation 3572767 (VCV003572767.1).
Genomic context (GRCh38, chr21:33,551,077, plus strand): 5'-TTGCCTGGGCCGCTCATGGCAGCTGGGGCACTGGAGTTCTCGGGGCAGTCTGGGGCAGCT[G>A]GAGCACTGGAGCTTTTGGGGCAGCCTCTGGCAACAGGGGTGCTGGAGTTGCCAGGGCAGC-3'
Protein context (NP_620305.3, residues 606-626): LEFSGQSGAA[Gly616Arg]ALELLGQPLA